The following is an entry in ClinVar:

ClinVar aggregate classification (germline): Uncertain significance (1 of 4 stars; one submission).

Allele frequency attached by ClinVar (database versions not stated): gnomAD exomes below 0.00001.

Submission:

GeneDx
Classification: Uncertain significance. Last evaluated: 2019-03-29. Review status: criteria provided, single submitter. Criteria: GeneDx Variant Classification Process June 2021. Collection method: clinical testing. Allele origin: germline. Affected: yes.
Comment: Not observed in large population cohorts (Lek et al., 2016); In silico analysis, which includes protein predictors and evolutionary conservation, supports that this variant does not alter protein structure/function; Has not been previously published as pathogenic or benign to our knowledge

NM_005334.3(HCFC1):c.3294G>A (p.Met1098Ile)

Gene: HCFC1 (host cell factor C1; minus strand). Cytogenetic location: Xq28.
Variant type: single nucleotide variant.
Coding change: c.3294G>A on transcript NM_005334.3 (MANE Select); coding-DNA position 3294, G replaced by A.
Protein change: p.Met1098Ile; replaces methionine 1098 with isoleucine.
Molecular consequence: missense variant.
Genome position (GRCh38, 1-based): chrX:153,955,105, C>T on the plus strand (G>A on the coding strand, the complement: HCFC1 is on the minus strand). VCF-style: chrX-153955105-C-T. GRCh37 (hg19) VCF-style: chrX-153220556-C-T.
Other names: short protein forms M1098I.
Identifiers: ClinVar variation 1308488 (VCV001308488.2), dbSNP rs1266924397, ClinGen allele CA415124980.